The following is an entry in ClinVar:

NM_020921.4(NIN):c.638A>G (p.Gln213Arg)

Gene: NIN (ninein; minus strand). Cytogenetic location: 14q22.1.
Variant type: single nucleotide variant.
Coding change: c.638A>G on transcript NM_020921.4 (MANE Select); coding-DNA position 638, A replaced by G.
Protein change: p.Gln213Arg; replaces glutamine 213 with arginine.
Molecular consequence: missense variant.
Genome position (GRCh38, 1-based): chr14:50,776,977, T>C on the plus strand (A>G on the coding strand, the complement: NIN is on the minus strand). VCF-style: chr14-50776977-T-C. GRCh37 (hg19) VCF-style: chr14-51243695-T-C.
Other names: c.638A>G, p.Gln213Arg (NM_016350.5, NM_182944.3, NM_182946.2); short protein forms Q213R.
Identifiers: ClinVar variation 2003263 (VCV002003263.4), dbSNP rs2506164738, ClinGen allele CA389670478.

ClinVar aggregate classification (germline): Uncertain significance (1 of 4 stars; one submission).

Submission:

Labcorp Genetics (formerly Invitae), Labcorp
Classification: Uncertain significance. Last evaluated: 2022-06-08. Review status: criteria provided, single submitter. Criteria: Invitae Variant Classification Sherloc (09022015). Collection method: clinical testing. Allele origin: germline.
Comment: This variant has not been reported in the literature in individuals affected with NIN-related conditions. This variant is not present in population databases (gnomAD no frequency). This sequence change replaces glutamine, which is neutral and polar, with arginine, which is basic and polar, at codon 213 of the NIN protein (p.Gln213Arg). Algorithms developed to predict the effect of missense changes on protein structure and function are either unavailable or do not agree on the potential impact of this missense change (SIFT: "Deleterious"; PolyPhen-2: "Probably Damaging"; Align-GVGD: "Class C0"). In summary, the available evidence is currently insufficient to determine the role of this variant in disease. Therefore, it has been classified as a Variant of Uncertain Significance. Algorithms developed to predict the effect of sequence changes on RNA splicing suggest that this variant may create or strengthen a splice site.